The following is an entry in ClinVar:

ClinVar aggregate classification (germline): Likely benign. Review status: criteria provided, multiple submitters, no conflicts (2 of 4 stars). 2 submissions from 2 submitters: Likely benign (2). Last evaluated 2024-07-29.

Conditions:
Familial thoracic aortic aneurysm and aortic dissection (TAAD). Also called: Thoracic aortic aneurysms and dissections. Identifiers: Orphanet 91387, MedGen C4707243, MONDO:0019625.
Aortic aneurysm, familial thoracic 4 (AAT4). Also called: AORTIC ANEURYSM/AORTIC DISSECTION AND PATENT DUCTUS ARTERIOSUS. Identifiers: MedGen C1851504, MONDO:0007568, OMIM 132900.

Submissions (2):

All of Us Research Program, National Institutes of Health
Classification: Likely benign for Familial thoracic aortic aneurysm and aortic dissection. Last evaluated: 2024-07-29. Review status: criteria provided, single submitter. Criteria: ACMG Guidelines, 2015. Collection method: clinical testing. Allele origin: germline. Inheritance: Autosomal dominant inheritance. Observed: 1 variant allele, 1 heterozygote.
Comment: This study involves interpretation of variants in research participants for the purpose of population health screening. Participant phenotype was not available at the time of variant classification. Additional details can be found in publication PMID: 35346344, PMCID: PMC8962531

Labcorp Genetics (formerly Invitae), Labcorp
Classification: Likely benign for Aortic aneurysm, familial thoracic 4. Last evaluated: 2022-06-27. Review status: criteria provided, single submitter. Criteria: Invitae Variant Classification Sherloc (09022015). Collection method: clinical testing. Allele origin: germline.

NM_002474.3(MYH11):c.4117-5T>G

Genes: MYH11 (myosin heavy chain 11; minus strand), NDE1 (nudE neurodevelopment protein 1; plus strand). Cytogenetic location: 16p13.11.
Variant type: single nucleotide variant.
Coding change: c.4117-5T>G on transcript NM_002474.3 (MANE Select); 5 bases into the intron before coding-DNA position 4117, T replaced by G.
Molecular consequence: intron variant. On other transcripts: 3 prime UTR variant (2).
Genome position (GRCh38, 1-based): chr16:15,724,414, A>C on the plus strand (T>G on the coding strand, the complement: MYH11 is on the minus strand). VCF-style: chr16-15724414-A-C. GRCh37 (hg19) VCF-style: chr16-15818271-A-C.
Other names: c.*163A>C (NM_001143979.2, NM_017668.3); c.4117-5T>G (NM_022844.3); c.4138-5T>G (NM_001040114.2, NM_001040113.2).
Identifiers: ClinVar variation 2117399 (VCV002117399.5), dbSNP rs2506141750, ClinGen allele CA2580090857.